The following is an entry in ClinVar:

NM_000142.5(FGFR3):c.21C>T (p.Ala7=)

Gene: FGFR3 (fibroblast growth factor receptor 3; plus strand). Cytogenetic location: 4p16.3.
Variant type: single nucleotide variant.
Coding change: c.21C>T on transcript NM_000142.5 (MANE Select); coding-DNA position 21, C replaced by T.
Protein change: p.Ala7=; no amino-acid change (alanine 7 retained).
Molecular consequence: synonymous variant. On other transcripts: non-coding transcript variant (1).
Genome position (GRCh38, 1-based): chr4:1,793,955, C>T. VCF-style: chr4-1793955-C-T. GRCh37 (hg19) VCF-style: chr4-1795682-C-T.
Other names: c.21C>T, p.Ala7= (NM_001163213.2, NM_001354809.2, NM_001354810.2 and 1 more transcripts).
Identifiers: ClinVar variation 514090 (VCV000514090.5), dbSNP rs779195790, ClinGen allele CA2809674.

ClinVar aggregate classification (germline): Likely benign. Review status: criteria provided, multiple submitters, no conflicts (2 of 4 stars). 2 submissions from 2 submitters: Likely benign (2). Last evaluated 2025-09-15.

Allele frequency attached by ClinVar (database versions not stated): TOPMed 0.00002; gnomAD 0.00003 and 0.00004; gnomAD exomes 0.00003; ExAC 0.00022.
gnomAD v4.1: 10 of 1,356,622 alleles (0.00074%); highest among the groups gnomAD compares: African/African-American, 0.009%; no homozygotes.

Submissions (2):

Labcorp Genetics (formerly Invitae), Labcorp
Classification: Likely benign. Last evaluated: 2025-09-15. Review status: criteria provided, single submitter. Criteria: Invitae Variant Classification Sherloc (09022015). Collection method: clinical testing. Allele origin: germline.

GeneDx
Classification: Likely benign. Last evaluated: 2017-12-11. Review status: criteria provided, single submitter. Criteria: GeneDx Variant Classification (06012015). Collection method: clinical testing. Allele origin: germline. Affected: yes.
Comment: This variant is considered likely benign or benign based on one or more of the following criteria: it is a conservative change, it occurs at a poorly conserved position in the protein, it is predicted to be benign by multiple in silico algorithms, and/or has population frequency not consistent with disease.